The following is an entry in ClinVar:

NM_000350.3(ABCA4):c.4220C>T (p.Pro1407Leu)

Gene: ABCA4 (ATP binding cassette subfamily A member 4; minus strand). Cytogenetic location: 1p22.1.
Variant type: single nucleotide variant.
Coding change: c.4220C>T on transcript NM_000350.3 (MANE Select); coding-DNA position 4220, C replaced by T.
Protein change: p.Pro1407Leu; replaces proline 1407 with leucine.
Molecular consequence: missense variant.
Genome position (GRCh38, 1-based): chr1:94,031,029, G>A on the plus strand (C>T on the coding strand, the complement: ABCA4 is on the minus strand). VCF-style: chr1-94031029-G-A. GRCh37 (hg19) VCF-style: chr1-94496585-G-A.
Other names: c.3998C>T, p.Pro1333Leu (NM_001425324.1); short protein forms P1407L, P1333L.
Identifiers: ClinVar variation 424856 (VCV000424856.8), dbSNP rs1064797091, ClinGen allele CA16617203.

ClinVar aggregate classification (germline): Conflicting classifications of pathogenicity. Review status: criteria provided, conflicting classifications (1 of 4 stars). 2 submissions from 2 submitters: Likely pathogenic (1); Uncertain significance (1). Last evaluated 2022-08-23.

Submissions (2):

Labcorp Genetics (formerly Invitae), Labcorp
Classification: Uncertain significance. Last evaluated: 2022-08-23. Review status: criteria provided, single submitter. Criteria: Invitae Variant Classification Sherloc (09022015). Collection method: clinical testing. Allele origin: germline.
Comment: Advanced modeling of protein sequence and biophysical properties (such as structural, functional, and spatial information, amino acid conservation, physicochemical variation, residue mobility, and thermodynamic stability) performed at Invitae indicates that this missense variant is expected to disrupt ABCA4 protein function. In summary, the available evidence is currently insufficient to determine the role of this variant in disease. Therefore, it has been classified as a Variant of Uncertain Significance. This sequence change replaces proline, which is neutral and non-polar, with leucine, which is neutral and non-polar, at codon 1407 of the ABCA4 protein (p.Pro1407Leu). This variant is not present in population databases (gnomAD no frequency). This variant has not been reported in the literature in individuals affected with ABCA4-related conditions. ClinVar contains an entry for this variant (Variation ID: 424856).

GeneDx
Classification: Likely pathogenic. Last evaluated: 2013-03-27. Review status: criteria provided, single submitter. Criteria: GeneDx Variant Classification (06012015). Collection method: clinical testing. Allele origin: germline. Affected: yes.
Comment: The P1407L missense change in the ABCA4 gene has not been reported as a pathogenic variant or as a benign polymorphism to our knowledge. The P1407L amino acid substitution is semi-conservative as both Proline and Leucine are neutral and non-polar residues. However, the loss of a Proline residue with its unique structure may affect the structure of the protein. The residue at which this substitution occurs is well conserved in the ABCR protein and in related proteins across species. The Human Gene Mutation Database reports that other missense mutations in nearby codons (E1399K, H1406R, H1406D, H1406Y, W1408R, W1408L, T1415P) have been reported in association with Stargardt disease. The P1407L mutation was not observed in approximately 6,500 individuals of European and African American ancestry in an external variant database, indicating it is not a common benign variant in these populations. Therefore, P1407L in the ABCA4 gene is interpreted as a novel pathogenic variant.